The following is an entry in ClinVar:

NM_000548.5(TSC2):c.348_388dup (p.Tyr130fs)

Gene: TSC2 (TSC complex subunit 2; plus strand). Cytogenetic location: 16p13.3.
Variant type: Duplication.
Coding change: c.348_388dup on transcript NM_000548.5 (MANE Select); coding-DNA positions 348 to 388, 41 bases duplicated.
Protein change: p.Tyr130fs; shifts the reading frame from tyrosine 130.
Molecular consequence: frameshift variant. On other transcripts: non-coding transcript variant (5), intron variant (6), 5 prime UTR variant (14).
Genome position (GRCh38, 1-based): chr16:2,054,307-2,054,347, 41 bases duplicated; duplicating any 41 consecutive bases within chr16:2,054,305-2,054,347 gives the same sequence; the c. name uses the placement nearest the transcript's 3' end. GRCh37 (hg19): chr16:2,104,308-2,104,348.
Other names: c.348_388dup, p.Tyr130fs (NM_001077183.3, NM_001114382.3, NM_001363528.2 and 8 more transcripts); c.237_277dup, p.Tyr93fs (NM_001318827.2, NM_001406670.1, NM_001406678.1); c.201_241dup, p.Tyr81fs (NM_001318829.2, NM_001406675.1, NM_001406676.1 and 1 more transcripts); c.-1-1889_-1-1849dup (NM_001406682.1, NM_001406684.1, NM_001406685.1 and 3 more transcripts); c.381_421dup, p.Tyr141fs (NM_001318832.2); c.438_478dup, p.Tyr160fs (NM_001406667.1, NM_001406668.1); c.291_331dup, p.Tyr111fs (NM_001406677.1); c.-469_-429dup (NM_001406680.1, NM_001406683.1, NM_001406687.1); and 6 more; short protein forms Y130fs, Y93fs, Y141fs, Y160fs, Y81fs, Y111fs.
Identifiers: ClinVar variation 4733668 (VCV004733668.1).

ClinVar aggregate classification (germline): Pathogenic (1 of 4 stars; one submission).

Conditions:
Tuberous sclerosis 2 (TSC2). Identifiers: Orphanet 805, MedGen C1860707, MONDO:0013199, OMIM 613254.

Submission:

Labcorp Genetics (formerly Invitae), Labcorp
Classification: Pathogenic for Tuberous sclerosis 2. Last evaluated: 2025-12-20. Review status: criteria provided, single submitter. Criteria: Invitae Variant Classification Sherloc (09022015). Collection method: clinical testing. Allele origin: germline.
Comment: This sequence change creates a premature translational stop signal (p.Tyr130Trpfs*66) in the TSC2 gene. It is expected to result in an absent or disrupted protein product. Loss-of-function variants in TSC2 are known to be pathogenic (PMID: 10205261, 17304050). This variant is not present in population databases (gnomAD no frequency). This variant has not been reported in the literature in individuals affected with TSC2-related conditions. For these reasons, this variant has been classified as Pathogenic.

Literature cited by the submitters: PubMed 10205261; PubMed 17304050.